The following is an entry in ClinVar:

NM_004260.4(RECQL4):c.1621-9C>T

Gene: RECQL4 (RecQ like helicase 4; minus strand). Cytogenetic location: 8q24.3.
Variant type: single nucleotide variant.
Coding change: c.1621-9C>T on transcript NM_004260.4 (MANE Select); 9 bases into the intron before coding-DNA position 1621, C replaced by T.
Molecular consequence: intron variant.
Genome position (GRCh38, 1-based): chr8:144,514,534, G>A on the plus strand (C>T on the coding strand, the complement: RECQL4 is on the minus strand). VCF-style: chr8-144514534-G-A. GRCh37 (hg19) VCF-style: chr8-145739918-G-A.
Identifiers: ClinVar variation 1119014 (VCV001119014.8), dbSNP rs758888472, ClinGen allele CA4948738.

ClinVar aggregate classification (germline): Conflicting classifications of pathogenicity. Review status: criteria provided, conflicting classifications (1 of 4 stars). 2 submissions from 2 submitters: Uncertain significance (1); Likely benign (1). Last evaluated 2025-03-30.

Conditions:
Hereditary cancer-predisposing syndrome. Also called: Neoplastic Syndromes, Hereditary; Hereditary Cancer Syndrome; Hereditary neoplastic syndrome; Tumor predisposition. Identifiers: Orphanet 140162, MedGen C0027672, MeSH D009386, MONDO:0015356.
Baller-Gerold syndrome (BGS). Also called: CRANIOSYNOSTOSIS WITH RADIAL DEFECTS. Identifiers: Orphanet 1225, MedGen C0265308, MONDO:0009039, OMIM 218600.

Allele frequency attached by ClinVar (database versions not stated): ExAC 0.00001; gnomAD exomes 0.00001; TOPMed 0.00002; gnomAD 0.00003.
gnomAD v4.1: 20 of 1,609,664 alleles (0.0012%); highest among the groups gnomAD compares: African/African-American, 0.004%; no homozygotes.

Submissions (2):

Labcorp Genetics (formerly Invitae), Labcorp
Classification: Likely benign for Baller-Gerold syndrome. Last evaluated: 2025-03-30. Review status: criteria provided, single submitter. Criteria: Invitae Variant Classification Sherloc (09022015). Collection method: clinical testing. Allele origin: germline.

Sema4
Classification: Uncertain significance for Hereditary cancer-predisposing syndrome. Last evaluated: 2022-02-26. Review status: criteria provided, single submitter. Criteria: Sema4 Curation Guidelines. Collection method: curation. Allele origin: germline.
Comment: The RECQL4 c.1621-9C>T variant has not been reported in the literature to our knowledge. It was observed in 4/274034 chromosomes across all populations in the large and broad cohorts of the Genome Aggregation Database (PMID: 32461654). This variant has been reported in ClinVar (Variation ID 1119014). Predictions by in silico tools that predict the effect of sequence changes are not available, and though these predictions have not been confirmed by functional studies. The evidence is insufficient to meet ACMG/AMP criteria for classifying the variant as benign or pathogenic. Thus, the clinical significance of this variant is currently uncertain.